The following is an entry in ClinVar:

NM_001122630.2(CDKN1C):c.674A>G (p.Glu225Gly)

Gene: CDKN1C (cyclin dependent kinase inhibitor 1C; minus strand). Cytogenetic location: 11p15.4.
Variant type: single nucleotide variant.
Coding change: c.674A>G on transcript NM_001122630.2 (MANE Select); coding-DNA position 674, A replaced by G.
Protein change: p.Glu225Gly; replaces glutamic acid 225 with glycine.
Molecular consequence: missense variant. On other transcripts: intron variant (1).
Genome position (GRCh38, 1-based): chr11:2,884,783, T>C on the plus strand (A>G on the coding strand, the complement: CDKN1C is on the minus strand). VCF-style: chr11-2884783-T-C. GRCh37 (hg19) VCF-style: chr11-2906013-T-C.
Other names: c.707A>G, p.Glu236Gly (NM_000076.2, NM_001362474.2); c.674A>G, p.Glu225Gly (NM_001122631.2); c.255+419A>G (NM_001362475.2); short protein forms E236G, E225G.
Identifiers: ClinVar variation 1395810 (VCV001395810.8), dbSNP rs2133782474, ClinGen allele CA379145779.

ClinVar aggregate classification (germline): Uncertain significance (1 of 4 stars; one submission).

Conditions:
Beckwith-Wiedemann syndrome (BWS). Also called: EMG SYNDROME; Exomphalos macroglossia gigantism syndrome. Identifiers: Orphanet 116, MedGen C0004903, MONDO:0007534, OMIM 130650.

Submission:

Labcorp Genetics (formerly Invitae), Labcorp
Classification: Uncertain significance for Beckwith-Wiedemann syndrome. Last evaluated: 2020-12-06. Review status: criteria provided, single submitter. Criteria: Invitae Variant Classification Sherloc (09022015). Collection method: clinical testing. Allele origin: germline.
Comment: In summary, the available evidence is currently insufficient to determine the role of this variant in disease. Therefore, it has been classified as a Variant of Uncertain Significance. Algorithms developed to predict the effect of missense changes on protein structure and function are either unavailable or do not agree on the potential impact of this missense change (SIFT: "Tolerated"; PolyPhen-2: "Not Available"; Align-GVGD: "Class C0"). This variant has not been reported in the literature in individuals with CDKN1C-related conditions. This variant is not present in population databases (ExAC no frequency). This sequence change replaces glutamic acid with glycine at codon 236 of the CDKN1C protein (p.Glu236Gly). The glutamic acid residue is weakly conserved and there is a moderate physicochemical difference between glutamic acid and glycine.